The following is an entry in ClinVar:

NM_001098816.3(TENM4):c.5383G>A (p.Val1795Met)

Gene: TENM4 (teneurin transmembrane protein 4; minus strand). Cytogenetic location: 11q14.1.
Variant type: single nucleotide variant.
Coding change: c.5383G>A on transcript NM_001098816.3 (MANE Select); coding-DNA position 5383, G replaced by A.
Protein change: p.Val1795Met; replaces valine 1795 with methionine.
Molecular consequence: missense variant.
Genome position (GRCh38, 1-based): chr11:78,676,265, C>T on the plus strand (G>A on the coding strand, the complement: TENM4 is on the minus strand). VCF-style: chr11-78676265-C-T. GRCh37 (hg19) VCF-style: chr11-78387310-C-T.
Other names: p.Val1795Met; short protein forms V1795M.
Identifiers: ClinVar variation 2235238 (VCV002235238.28), dbSNP rs201960718, ClinGen allele CA6206630.

ClinVar aggregate classification (germline): Conflicting classifications of pathogenicity. Review status: criteria provided, conflicting classifications (1 of 4 stars). 5 submissions from 5 submitters: Uncertain significance (3); Likely benign (1). 1 of the submissions does not count toward it. Last evaluated 2025-09-16.

Conditions:
TENM4-related disorder. Also called: TENM4-related condition.

Allele frequency attached by ClinVar (database versions not stated): 1000 Genomes Project 30x 0.00016; ESP Exome Variant Server 0.00055.
gnomAD v4.1: 1,181 of 1,612,624 alleles (0.073%); highest among the groups gnomAD compares: Non-Finnish European, 0.097%; no homozygotes.

Submissions (5):

Mayo Clinic Laboratories, Mayo Clinic
Classification: Likely benign. Last evaluated: 2025-09-16. Review status: criteria provided, single submitter. Criteria: ACMG Guidelines, 2015. Collection method: clinical testing. Allele origin: germline. Observed: 1 variant allele.
Comment: BS2, BP4

Women's Health and Genetics/Laboratory Corporation of America, LabCorp
Classification: Uncertain significance. Last evaluated: 2023-10-30. Review status: criteria provided, single submitter. Criteria: LabCorp Variant Classification Summary - May 2015. Collection method: clinical testing. Allele origin: germline.
Comment: Variant summary: TENM4 c.5383G>A (p.Val1795Met) results in a conservative amino acid change in the encoded protein sequence. Four of five in-silico tools predict a damaging effect of the variant on protein function. The variant allele was found at a frequency of 0.00042 in 247842 control chromosomes (gnomAD). To our knowledge, no occurrence of c.5383G>A in individuals affected with Tremor, Hereditary Essential, 5 and no experimental evidence demonstrating its impact on protein function have been reported. One submitter has cited a clinical-significance assessment for this variant to ClinVar after 2014 and has classified the variant as uncertain significance. Based on the evidence outlined above, the variant was classified as uncertain significance.

CeGaT Center for Human Genetics Tuebingen
Classification: Uncertain significance. Last evaluated: 2022-05-01. Review status: criteria provided, single submitter. Criteria: CeGaT Center For Human Genetics Tuebingen Variant Classification Criteria Version 2. Collection method: clinical testing. Allele origin: germline. Affected: yes. Observed: 1 variant allele.
Comment: TENM4: PP3

Ambry Genetics
Classification: Uncertain significance. Last evaluated: 2021-10-26. Review status: criteria provided, single submitter. Criteria: Ambry Variant Classification Scheme 2023. Collection method: clinical testing. Allele origin: germline.

PreventionGenetics, part of Exact Sciences
Classification: Likely benign for TENM4-related condition. Last evaluated: 2023-01-24. Review status: no assertion criteria provided. Collection method: clinical testing. Allele origin: germline. Not counted in ClinVar's aggregate classification.
Comment: This variant is classified as likely benign based on ACMG/AMP sequence variant interpretation guidelines (Richards et al. 2015 PMID: 25741868, with internal and published modifications).